The following is an entry in ClinVar:

ClinVar aggregate classification (germline): Uncertain significance (1 of 4 stars; one submission).

Conditions:
Inborn genetic diseases. Identifiers: MedGen C0950123, MeSH D030342.

Submission:

Ambry Genetics
Classification: Uncertain significance for Inborn genetic diseases. Last evaluated: 2026-03-06. Review status: criteria provided, single submitter. Criteria: Ambry Variant Classification Scheme 2023. Collection method: clinical testing. Allele origin: germline.
Comment: The p.T739S variant (also known as c.2216C>G), located in coding exon 14 of the RECQL4 gene, results from a C to G substitution at nucleotide position 2216. The threonine at codon 739 is replaced by serine, an amino acid with similar properties. This amino acid position is conserved. In addition, this alteration is predicted to be tolerated by in silico analysis. Based on the available evidence, the clinical significance of this variant remains unclear.

NM_004260.4(RECQL4):c.2216C>G (p.Thr739Ser)

Gene: RECQL4 (RecQ like helicase 4; minus strand). Cytogenetic location: 8q24.3.
Variant type: single nucleotide variant.
Coding change: c.2216C>G on transcript NM_004260.4 (MANE Select); coding-DNA position 2216, C replaced by G.
Protein change: p.Thr739Ser; replaces threonine 739 with serine.
Molecular consequence: missense variant. On other transcripts: non-coding transcript variant (3).
Genome position (GRCh38, 1-based): chr8:144,513,465, G>C on the plus strand (C>G on the coding strand, the complement: RECQL4 is on the minus strand). VCF-style: chr8-144513465-G-C. GRCh37 (hg19) VCF-style: chr8-145738849-G-C.
Other names: c.2120C>G, p.Thr707Ser (NM_001413017.1, NM_001413020.1); c.2216C>G, p.Thr739Ser (NM_001413018.1, NM_001413019.1, NM_001413036.1); c.1145C>G, p.Thr382Ser (NM_001413021.1, NM_001413022.1, NM_001413023.1 and 6 more transcripts); c.2087C>G, p.Thr696Ser (NM_001413025.1); c.1079C>G, p.Thr360Ser (NM_001413027.1, NM_001413030.1, NM_001413032.1 and 1 more transcripts); c.1865C>G, p.Thr622Ser (NM_001413029.1); c.947C>G, p.Thr316Ser (NM_001413031.1); c.2084C>G, p.Thr695Ser (NM_001413033.1); and 4 more; short protein forms T250S, T707S, T316S, T360S, T382S, T622S, T729S, T338S.
Identifiers: ClinVar variation 4825868 (VCV004825868.1).